The following is an entry in ClinVar:

NM_001042492.3(NF1):c.7612del (p.Gly2539fs)

Gene: NF1 (neurofibromin 1; plus strand). Cytogenetic location: 17q11.2.
Variant type: Deletion.
Coding change: c.7612del on transcript NM_001042492.3 (MANE Select); coding-DNA position 7612, one base deleted (C; older notation c.7612delC).
Protein change: p.Gly2539fs; shifts the reading frame from glycine 2539.
Molecular consequence: frameshift variant.
Genome position (GRCh38, 1-based): chr17:31,352,411, C deleted. VCF-style (leftmost placement, unchanged base first): chr17-31352410-GC-G. GRCh37 (hg19) VCF-style: chr17-29679428-GC-G.
Other names: c.7549delC (NM_000267.3); c.7549delC, p.Gly2518Glufs (NM_000267.4); short protein forms G2539fs, G2518fs.
Identifiers: ClinVar variation 640820 (VCV000640820.5), dbSNP rs1597862293, ClinGen allele CA915949876.

ClinVar aggregate classification (germline): Pathogenic (1 of 4 stars; one submission).

Conditions:
Neurofibromatosis, type 1 (NF1). Also called: NEUROFIBROMATOSIS, TYPE I, SOMATIC; VON RECKLINGHAUSEN DISEASE; Neurofibromatosis, type I; Peripheral type neurofibromatosis. Identifiers: Orphanet 636, MedGen C0027831, MONDO:0018975, OMIM 162200. Disease mechanism: loss of function.

Submission:

Labcorp Genetics (formerly Invitae), Labcorp
Classification: Pathogenic for Neurofibromatosis, type 1. Last evaluated: 2021-06-01. Review status: criteria provided, single submitter. Criteria: Invitae Variant Classification Sherloc (09022015). Collection method: clinical testing. Allele origin: germline.
Comment: For these reasons, this variant has been classified as Pathogenic. This variant has not been reported in the literature in individuals with NF1-related conditions. ClinVar contains an entry for this variant (Variation ID: 640820). This variant is not present in population databases (ExAC no frequency). This sequence change creates a premature translational stop signal (p.Gly2518Glufs*9) in the NF1 gene. It is expected to result in an absent or disrupted protein product. Loss-of-function variants in NF1 are known to be pathogenic (PMID: 10712197, 23913538).

Literature cited by the submitters: PubMed 10712197; PubMed 23913538.